The following is an entry in ClinVar:

ClinVar aggregate classification (germline): Uncertain significance. Review status: criteria provided, multiple submitters, no conflicts (2 of 4 stars). 2 submissions from 2 submitters: Uncertain significance (2). Last evaluated 2026-04-13.

Conditions:
Hereditary cancer-predisposing syndrome. Also called: Neoplastic Syndromes, Hereditary; Hereditary Cancer Syndrome; Tumor predisposition; Hereditary neoplastic syndrome. Identifiers: Orphanet 140162, MedGen C0027672, MeSH D009386, MONDO:0015356.

Submissions (2):

Women's Health and Genetics/Laboratory Corporation of America, LabCorp
Classification: Uncertain significance. Last evaluated: 2026-04-13. Review status: criteria provided, single submitter. Criteria: LabCorp Variant Classification Summary - May 2015. Collection method: clinical testing. Allele origin: germline.
Comment: Variant summary: BRCA1 c.2912A>C (p.His971Pro) results in a non-conservative amino acid change in the encoded protein sequence. Algorithms developed to predict the effect of missense changes on protein structure and function are either unavailable or do not agree on the potential impact of this missense change. The variant was absent in 251346 control chromosomes. The available data on variant occurrences in the general population are insufficient to allow any conclusion about variant significance. c.2912A>C has been observed in individual(s) affected with breast cancer, without strong evidence for causality (Wan_2021, Yao_2022). These report(s) do not provide unequivocal conclusions about association of the variant with Hereditary Breast And Ovarian Cancer Syndrome. To our knowledge, no experimental evidence demonstrating an impact on protein function has been reported. The following publications have been ascertained in the context of this evaluation (PMID: 32803532, 35864222). ClinVar contains an entry for this variant (Variation ID: 3992638). Based on the evidence outlined above, the variant was classified as uncertain significance.

Ambry Genetics
Classification: Uncertain significance for Hereditary cancer-predisposing syndrome. Last evaluated: 2025-06-13. Review status: criteria provided, single submitter. Criteria: Ambry Variant Classification Scheme 2023. Collection method: clinical testing. Allele origin: germline.
Comment: The p.H971P variant (also known as c.2912A>C), located in coding exon 9 of the BRCA1 gene, results from an A to C substitution at nucleotide position 2912. The histidine at codon 971 is replaced by proline, an amino acid with similar properties. This amino acid position is not well conserved in available vertebrate species. In addition, this alteration is predicted to be tolerated by in silico analysis. Based on the available evidence, the clinical significance of this variant remains unclear.

Literature cited by the submitters: PubMed 32803532 (cited by Women's Health and Genetics/Laboratory Corporation of America, LabCorp); PubMed 35864222 (cited by Women's Health and Genetics/Laboratory Corporation of America, LabCorp).

NM_007294.4(BRCA1):c.2912A>C (p.His971Pro)

Gene: BRCA1 (BRCA1 DNA repair associated; minus strand). Cytogenetic location: 17q21.31.
Variant type: single nucleotide variant.
Coding change: c.2912A>C on transcript NM_007294.4 (MANE Select); coding-DNA position 2912, A replaced by C.
Protein change: p.His971Pro; replaces histidine 971 with proline.
Molecular consequence: missense variant. On other transcripts: intron variant (137).
Genome position (GRCh38, 1-based): chr17:43,092,619, T>G on the plus strand (A>C on the coding strand, the complement: BRCA1 is on the minus strand). VCF-style: chr17-43092619-T-G. GRCh37 (hg19) VCF-style: chr17-41244636-T-G.
Other names: c.2909A>C, p.His970Pro (NM_001407611.1, NM_001407612.1, NM_001407613.1 and 22 more transcripts); c.2912A>C, p.His971Pro (NM_001407616.1, NM_001407617.1, NM_001407618.1 and 30 more transcripts); c.2834A>C, p.His945Pro (NM_001407653.1, NM_001407654.1, NM_001407655.1 and 4 more transcripts); c.2831A>C, p.His944Pro (NM_001407659.1, NM_001407660.1, NM_001407661.1 and 1 more transcripts); c.2786A>C, p.His929Pro (NM_001407671.1, NM_001407672.1, NM_001407673.1 and 11 more transcripts); c.2789A>C, p.His930Pro (NM_001407674.1, NM_001407675.1, NM_001407676.1 and 19 more transcripts); c.2771A>C, p.His924Pro (NM_001407692.1, NM_001407694.1, NM_001407695.1 and 29 more transcripts); c.2768A>C, p.His923Pro (NM_001407740.1, NM_001407741.1, NM_001407742.1 and 20 more transcripts); and 41 more; short protein forms H859P, H900P, H929P, H945P, H860P, H882P, H883P, H904P.
Identifiers: ClinVar variation 3992638 (VCV003992638.2).
Genomic context (GRCh38, chr17:43,092,619, plus strand): 5'-TTAACAAATGACTTGATGGGAAAAAGTGGTGGTATACGATATGGGTTTTGTAAAAGTCCA[T>G]GTTTATTTGGAGTAATGAGTCCAGTTTCGTTGCCTCTGAACTGAGATGATAGACAAAACC-3'
Protein context (NP_009225.1, residues 961-981): NETGLITPNK[His971Pro]GLLQNPYRIP